The following is an entry in ClinVar:

ClinVar aggregate classification (germline): Uncertain significance. Review status: criteria provided, multiple submitters, no conflicts (2 of 4 stars). 2 submissions from 2 submitters: Uncertain significance (2). Last evaluated 2025-07-31.

Allele frequency attached by ClinVar (database versions not stated): gnomAD 0.00001; TOPMed 0.00001; ESP Exome Variant Server 0.00008; gnomAD exomes below 0.00001.
gnomAD v4.1: 39 of 1,614,014 alleles (0.0024%); highest among the groups gnomAD compares: Non-Finnish European, 0.0032%; no homozygotes.

Submissions (2):

Labcorp Genetics (formerly Invitae), Labcorp
Classification: Uncertain significance. Last evaluated: 2025-07-31. Review status: criteria provided, single submitter. Criteria: Invitae Variant Classification Sherloc (09022015). Collection method: clinical testing. Allele origin: germline.
Comment: This sequence change replaces glycine, which is neutral and non-polar, with serine, which is neutral and polar, at codon 1325 of the FLNB protein (p.Gly1325Ser). This variant is present in population databases (rs374307701, gnomAD 0.0009%). This variant has not been reported in the literature in individuals affected with FLNB-related conditions. ClinVar contains an entry for this variant (Variation ID: 1303226). Invitae Evidence Modeling of protein sequence and biophysical properties (such as structural, functional, and spatial information, amino acid conservation, physicochemical variation, residue mobility, and thermodynamic stability) has been performed for this missense variant. However, the output from this modeling did not meet the statistical confidence thresholds required to predict the impact of this variant on FLNB protein function. In summary, the available evidence is currently insufficient to determine the role of this variant in disease. Therefore, it has been classified as a Variant of Uncertain Significance.

GeneDx
Classification: Uncertain significance. Last evaluated: 2019-06-26. Review status: criteria provided, single submitter. Criteria: GeneDx Variant Classification Process June 2021. Collection method: clinical testing. Allele origin: germline. Affected: yes.
Comment: In silico analysis, which includes protein predictors and evolutionary conservation, supports a deleterious effect; Has not been previously published as pathogenic or benign to our knowledge

NM_001457.4(FLNB):c.3973G>A (p.Gly1325Ser)

Gene: FLNB (filamin B; plus strand). Cytogenetic location: 3p14.3.
Variant type: single nucleotide variant.
Coding change: c.3973G>A on transcript NM_001457.4 (MANE Select); coding-DNA position 3973, G replaced by A.
Protein change: p.Gly1325Ser; replaces glycine 1325 with serine.
Molecular consequence: missense variant.
Genome position (GRCh38, 1-based): chr3:58,125,655, G>A. VCF-style: chr3-58125655-G-A. GRCh37 (hg19) VCF-style: chr3-58111382-G-A.
Other names: c.3973G>A, p.Gly1325Ser (NM_001164317.2, NM_001164318.2, NM_001164319.2); short protein forms G1325S.
Identifiers: ClinVar variation 1303226 (VCV001303226.5), dbSNP rs374307701, ClinGen allele CA75449750.
Genomic context (GRCh38, chr3:58,125,655, plus strand): 5'-GAGGTGACATATGATGACGTGCCTATCCCAAACAGTCCCTTCAAGGTGGCTGTCACTGAA[G>A]GCTGCCAGCCATCTAGGGTGCAAGCCCAAGGACCTGGATTGAAAGAGGCCTTTACCAACA-3'
Protein context (NP_001448.2, residues 1315-1335): NSPFKVAVTE[Gly1325Ser]CQPSRVQAQG